The following is an entry in ClinVar:

ClinVar aggregate classification (germline): Benign/Likely benign. Review status: criteria provided, multiple submitters, no conflicts (2 of 4 stars). 3 submissions from 3 submitters: Benign (1); Likely benign (2). Last evaluated 2026-01-25.

Allele frequency attached by ClinVar (database versions not stated): gnomAD exomes 0.00015 and 0.00020; ExAC 0.00020; 1000 Genomes Project 30x 0.00031; 1000 Genomes Project 0.00060; ESP Exome Variant Server 0.00088; gnomAD 0.00094 and 0.00101; TOPMed 0.00106.
gnomAD v4.1: 360 of 1,610,832 alleles (0.022%); highest among the groups gnomAD compares: African/African-American, 0.32%; no homozygotes.

Submissions (3):

Labcorp Genetics (formerly Invitae), Labcorp
Classification: Benign. Last evaluated: 2026-01-25. Review status: criteria provided, single submitter. Criteria: Invitae Variant Classification Sherloc (09022015). Collection method: clinical testing. Allele origin: germline.

Blueprint Genetics
Classification: Likely benign. Last evaluated: 2024-09-13. Review status: criteria provided, single submitter. Criteria: ACMG Guidelines, 2015. Collection method: clinical testing. Allele origin: germline.

GeneDx
Classification: Likely benign. Last evaluated: 2016-11-23. Review status: criteria provided, single submitter. Criteria: GeneDx Variant Classification (06012015). Collection method: clinical testing. Allele origin: germline. Affected: yes.
Comment: This variant is considered likely benign or benign based on one or more of the following criteria: it is a conservative change, it occurs at a poorly conserved position in the protein, it is predicted to be benign by multiple in silico algorithms, and/or has population frequency not consistent with disease.

NM_002768.5(CHMP1A):c.7+13G>T

Gene: CHMP1A (charged multivesicular body protein 1A; minus strand). Cytogenetic location: 16q24.3.
Variant type: single nucleotide variant.
Coding change: c.7+13G>T on transcript NM_002768.5 (MANE Select); 13 bases into the intron after coding-DNA position 7, G replaced by T.
Molecular consequence: intron variant.
Genome position (GRCh38, 1-based): chr16:89,657,569, C>A on the plus strand (G>T on the coding strand, the complement: CHMP1A is on the minus strand). VCF-style: chr16-89657569-C-A. GRCh37 (hg19) VCF-style: chr16-89723977-C-A.
Other names: c.7+13G>T (NM_001083314.4).
Identifiers: ClinVar variation 390838 (VCV000390838.7), dbSNP rs369307331, ClinGen allele CA8247248.